The following is an entry in ClinVar:

NM_001854.4(COL11A1):c.4302+303C>T

Gene: COL11A1 (collagen type XI alpha 1 chain; minus strand). Cytogenetic location: 1p21.1.
Variant type: single nucleotide variant.
Coding change: c.4302+303C>T on transcript NM_001854.4 (MANE Select); 303 bases into the intron after coding-DNA position 4302, C replaced by T.
Molecular consequence: intron variant.
Genome position (GRCh38, 1-based): chr1:102,897,822, G>A on the plus strand (C>T on the coding strand, the complement: COL11A1 is on the minus strand). VCF-style: chr1-102897822-G-A. GRCh37 (hg19) VCF-style: chr1-103363378-G-A.
Other names: c.4185+303C>T (NM_001190709.2); c.4338+303C>T (NM_080629.3); c.3954+303C>T (NM_080630.4).
Identifiers: ClinVar variation 681204 (VCV000681204.1), dbSNP rs6677574, ClinGen allele CA10682077.
Genomic context (GRCh38, chr1:102,897,822, plus strand): 5'-ATGCTGGTGCCAGCATACTTTTTAAAGTGAAATGCCAGGAAAATAAGTGTAACTGCAAAC[G>A]TTTTAGGGAACTATCCAGACTAGGAAAAACACTGGCTGGATCATTAGTGGCATTTCATTC-3'

ClinVar aggregate classification (germline): Benign (1 of 4 stars; one submission).

Allele frequency attached by ClinVar (database versions not stated): TOPMed 0.49887; 1000 Genomes Project 30x 0.49922; gnomAD 0.50065 and 0.50921; 1000 Genomes Project 0.50300.
gnomAD v4.1: 77,562 of 151,910 alleles (51%); highest among the groups gnomAD compares: East Asian, 69%; 23,181 homozygotes.

Submission:

GeneDx
Classification: Benign. Last evaluated: 2018-06-14. Review status: criteria provided, single submitter. Criteria: GeneDx Variant Classification (06012015). Collection method: clinical testing. Allele origin: germline. Affected: yes.
Comment: This variant is considered likely benign or benign based on one or more of the following criteria: it is a conservative change, it occurs at a poorly conserved position in the protein, it is predicted to be benign by multiple in silico algorithms, and/or has population frequency not consistent with disease.